The following is an entry in ClinVar:

ClinVar aggregate classification (germline): Likely benign (0 of 4 stars; one submission).

Conditions:
DROSHA-related disorder. Also called: DROSHA-related condition.

Allele frequency attached by ClinVar (database versions not stated): ExAC 0.00002; gnomAD 0.00007.
gnomAD v4.1: 18 of 1,594,902 alleles (0.0011%); highest among the groups gnomAD compares: African/African-American, 0.008%; no homozygotes.

Submission:

PreventionGenetics, part of Exact Sciences
Classification: Likely benign for DROSHA-related condition. Last evaluated: 2022-06-21. Review status: no assertion criteria provided. Collection method: clinical testing. Allele origin: germline.
Comment: This variant is classified as likely benign based on ACMG/AMP sequence variant interpretation guidelines (Richards et al. 2015 PMID: 25741868, with internal and published modifications).

NM_001382508.1(DROSHA):c.3225C>T (p.Arg1075=)

Gene: DROSHA (drosha ribonuclease III; minus strand). Cytogenetic location: 5p13.3.
Variant type: single nucleotide variant.
Coding change: c.3225C>T on transcript NM_001382508.1 (MANE Select); coding-DNA position 3225, C replaced by T.
Protein change: p.Arg1075=; no amino-acid change (arginine 1075 retained).
Molecular consequence: synonymous variant.
Genome position (GRCh38, 1-based): chr5:31,424,463, G>A on the plus strand (C>T on the coding strand, the complement: DROSHA is on the minus strand). VCF-style: chr5-31424463-G-A. GRCh37 (hg19) VCF-style: chr5-31424570-G-A.
Other names: c.3114C>T, p.Arg1038= (NM_001100412.2); c.3225C>T, p.Arg1075= (NM_013235.5).
Identifiers: ClinVar variation 3031609 (VCV003031609.2), dbSNP rs749231991, ClinGen allele CA3217230.
Genomic context (GRCh38, chr5:31,424,463, plus strand): 5'-TGCAGACAGGGAGGTCATACTTACTTGGAGTGGGTGGAGAGGATAATTGAGCCAGACTTC[G>A]CGCAGGTCCTGGAAAATGGAGTGATGCCTTTAATGCTCAAGGGAGCCATTTAACGCACTC-3'
Protein context (NP_001369437.1, residues 1065-1085): GRLLFNDPDL[Arg1075=]EVWLNYPLHP